The following is an entry in ClinVar:

ClinVar aggregate classification (germline): Pathogenic. Review status: criteria provided, multiple submitters, no conflicts (2 of 4 stars). 3 submissions from 3 submitters: Pathogenic (3). Last evaluated 2024-07-11.

Conditions:
CEP290-related ciliopathy. Also called: CEP290 ciliopathy. Identifiers: MedGen CN305601, MONDO:0100451.
Meckel-Gruber syndrome. Also called: DYSENCEPHALIA SPLANCHNOCYSTICA; GRUBER SYNDROME; Dysencephalia splachnocystica. Identifiers: Orphanet 564, MedGen C0265215, MONDO:0018921.
Joubert syndrome. Also called: JOUBERT-BOLTSHAUSER SYNDROME; Familial aplasia of the vermis. Identifiers: Orphanet 475, MedGen C5979921, MONDO:0018772.
Nephronophthisis. Also called: Juvenile Nephronophthisis. Identifiers: Orphanet 655, MedGen C0687120, MONDO:0019005, HP:0000090.
Bardet-Biedl syndrome 14 (BBS14). Identifiers: Orphanet 110, MedGen C2673874, MONDO:0014442, OMIM 615991.

Allele frequency attached by ClinVar (database versions not stated): gnomAD exomes below 0.00001.

Submissions (3):

Myriad Genetics, Inc.
Classification: Pathogenic for CEP290-related ciliopathy. Last evaluated: 2024-07-11. Review status: criteria provided, single submitter. Criteria: Myriad Autosomal Dominant, Autosomal Recessive and X-Linked Classification Criteria (2023). Collection method: clinical testing. Allele origin: unknown.
Comment: NM_025114.3(CEP290):c.4990G>T(E1664*) is expected to be pathogenic in the context of CEP290-related disorders. This variant is predicted to lead to an abnormal or absent protein product due to the creation of a premature termination codon in CEP290, a gene where loss-of-function variants are known to be pathogenic. Please note: this variant was assessed in the context of healthy population screening.

Baylor Genetics
Classification: Pathogenic for Bardet-Biedl syndrome 14. Last evaluated: 2024-01-17. Review status: criteria provided, single submitter. Criteria: ACMG Guidelines, 2015. Collection method: clinical testing. Allele origin: unknown.

Labcorp Genetics (formerly Invitae), Labcorp
Classification: Pathogenic for Joubert syndrome; Meckel-Gruber syndrome; Nephronophthisis. Last evaluated: 2023-11-06. Review status: criteria provided, single submitter. Criteria: Invitae Variant Classification Sherloc (09022015). Collection method: clinical testing. Allele origin: germline.
Comment: This sequence change creates a premature translational stop signal (p.Glu1664*) in the CEP290 gene. It is expected to result in an absent or disrupted protein product. Loss-of-function variants in CEP290 are known to be pathogenic (PMID: 16909394, 17345604, 20690115). This variant is not present in population databases (gnomAD no frequency). This variant has not been reported in the literature in individuals affected with CEP290-related conditions. Algorithms developed to predict the effect of sequence changes on RNA splicing suggest that this variant may disrupt the consensus splice site. For these reasons, this variant has been classified as Pathogenic.

Literature cited by the submitters: PubMed 16909394 (cited by Labcorp Genetics (formerly Invitae), Labcorp); PubMed 17345604 (cited by Labcorp Genetics (formerly Invitae), Labcorp); PubMed 20690115 (cited by Labcorp Genetics (formerly Invitae), Labcorp).

NM_025114.4(CEP290):c.4990G>T (p.Glu1664Ter)

Gene: CEP290 (centrosomal protein 290; minus strand). Cytogenetic location: 12q21.32.
Variant type: single nucleotide variant.
Coding change: c.4990G>T on transcript NM_025114.4 (MANE Select); coding-DNA position 4990, G replaced by T.
Protein change: p.Glu1664Ter; replaces glutamic acid 1664 with a stop codon.
Molecular consequence: nonsense.
Genome position (GRCh38, 1-based): chr12:88,083,053, C>A on the plus strand (G>T on the coding strand, the complement: CEP290 is on the minus strand). VCF-style: chr12-88083053-C-A. GRCh37 (hg19) VCF-style: chr12-88476830-C-A.
Other names: short protein forms E1664*.
Identifiers: ClinVar variation 2933630 (VCV002933630.5), dbSNP rs2499955544, ClinGen allele CA385992693.